The following is an entry in ClinVar:

ClinVar aggregate classification (germline): Benign/Likely benign. Review status: criteria provided, multiple submitters, no conflicts (2 of 4 stars). 4 submissions from 4 submitters: Benign (2); Likely benign (1). 1 of the submissions does not count toward it. Last evaluated 2025-12-24.

Conditions:
A2ML1-related disorder. Also called: A2ML1-related condition.

Allele frequency attached by ClinVar (database versions not stated): 1000 Genomes Project 30x 0.00016; 1000 Genomes Project 0.00020; ESP Exome Variant Server 0.00032; TOPMed 0.00037; gnomAD 0.00038 and 0.00041; gnomAD exomes 0.00041; ExAC 0.00044.
gnomAD v4.1: 781 of 1,613,904 alleles (0.048%); highest among the groups gnomAD compares: Middle Eastern, 0.23%; 1 homozygote.

Submissions (4):

Labcorp Genetics (formerly Invitae), Labcorp
Classification: Likely benign. Last evaluated: 2025-12-24. Review status: criteria provided, single submitter. Criteria: Invitae Variant Classification Sherloc (09022015). Collection method: clinical testing. Allele origin: germline.

Women's Health and Genetics/Laboratory Corporation of America, LabCorp
Classification: Benign. Last evaluated: 2022-08-22. Review status: criteria provided, single submitter. Criteria: LabCorp Variant Classification Summary - May 2015. Collection method: clinical testing. Allele origin: germline.
Comment: Variant summary: A2ML1 c.4076G>A (p.Arg1359His) results in a non-conservative amino acid change in the encoded protein sequence. Four of five in-silico tools predict a benign effect of the variant on protein function. The variant allele was found at a frequency of 0.00041 in 249358 control chromosomes. The observed variant frequency is approximately 101 fold of the estimated maximal expected allele frequency for a pathogenic variant in A2ML1 causing Noonan Syndrome phenotype (4e-06), strongly suggesting that the variant is benign. To our knowledge, no occurrence of c.4076G>A in individuals affected with Noonan Syndrome and no experimental evidence demonstrating its impact on protein function have been reported. Two clinical diagnostic laboratories have submitted clinical-significance assessments for this variant to ClinVar after 2014 without evidence for independent evaluation. All laboratories classified the variant as benign/likely benign. Based on the evidence outlined above, the variant was classified as benign.

GeneDx
Classification: Benign. Last evaluated: 2020-08-11. Review status: criteria provided, single submitter. Criteria: GeneDx Variant Classification Process June 2021. Collection method: clinical testing. Allele origin: germline. Affected: yes.

PreventionGenetics, part of Exact Sciences
Classification: Likely benign for A2ML1-related condition. Last evaluated: 2022-08-25. Review status: no assertion criteria provided. Collection method: clinical testing. Allele origin: germline. Not counted in ClinVar's aggregate classification.
Comment: This variant is classified as likely benign based on ACMG/AMP sequence variant interpretation guidelines (Richards et al. 2015 PMID: 25741868, with internal and published modifications).

NM_144670.6(A2ML1):c.4076G>A (p.Arg1359His)

Gene: A2ML1 (alpha-2-macroglobulin like 1; plus strand). Cytogenetic location: 12p13.31.
Variant type: single nucleotide variant.
Coding change: c.4076G>A on transcript NM_144670.6 (MANE Select); coding-DNA position 4076, G replaced by A.
Protein change: p.Arg1359His; replaces arginine 1359 with histidine.
Molecular consequence: missense variant.
Genome position (GRCh38, 1-based): chr12:8,868,551, G>A. VCF-style: chr12-8868551-G-A. GRCh37 (hg19) VCF-style: chr12-9021147-G-A.
Other names: c.2603G>A, p.Arg868His (NM_001282424.3); short protein forms R1359H, R868H.
Identifiers: ClinVar variation 406199 (VCV000406199.19), dbSNP rs200744656, ClinGen allele CA6436589.